The following is an entry in ClinVar:

ClinVar aggregate classification (germline): Uncertain significance (1 of 4 stars; one submission).

Submission:

CeGaT Center for Human Genetics Tuebingen
Classification: Uncertain significance. Last evaluated: 2026-04-01. Review status: criteria provided, single submitter. Criteria: CeGaT Center For Human Genetics Tuebingen Variant Classification Criteria Version 2. Collection method: clinical testing. Allele origin: germline. Affected: yes. Observed: 1 variant allele.
Comment: KDM4B: PM2, PM5:Supporting

NM_015015.3(KDM4B):c.2303A>C (p.His768Pro)

Gene: KDM4B (lysine demethylase 4B; plus strand). Cytogenetic location: 19p13.3.
Variant type: single nucleotide variant.
Coding change: c.2303A>C on transcript NM_015015.3 (MANE Select); coding-DNA position 2303, A replaced by C.
Protein change: p.His768Pro; replaces histidine 768 with proline.
Molecular consequence: missense variant.
Genome position (GRCh38, 1-based): chr19:5,135,556, A>C. VCF-style: chr19-5135556-A-C. GRCh37 (hg19) VCF-style: chr19-5135567-A-C.
Other names: c.2405A>C, p.His802Pro (NM_001411148.1); short protein forms H768P, H802P.
Identifiers: ClinVar variation 4874628 (VCV004874628.2).